The following is an entry in ClinVar:

ClinVar aggregate classification (germline): Conflicting classifications of pathogenicity. Review status: criteria provided, conflicting classifications (1 of 4 stars). 3 submissions from 3 submitters: Uncertain significance (2); Likely benign (1). Last evaluated 2026-02-16.

Conditions:
Ehlers-Danlos syndrome, classic type, 1 (EDSCL1). Also called: EHLERS-DANLOS SYNDROME, GRAVIS TYPE; EHLERS-DANLOS SYNDROME, SEVERE CLASSIC TYPE; EDS I; Ehlers-Danlos Syndrome, Classic Type, COL5A1-Related; Ehlers-Danlos syndrome, type 1. Identifiers: MedGen C0268335, MONDO:0019567, OMIM 130000.

Submissions (3):

Women's Health and Genetics/Laboratory Corporation of America, LabCorp
Classification: Likely benign. Last evaluated: 2026-02-16. Review status: criteria provided, single submitter. Criteria: LabCorp Variant Classification Summary - May 2015. Collection method: clinical testing. Allele origin: germline.
Comment: Variant summary: COL5A1 c.4805_4813dupTGGACTACG (p.Val1602_Tyr1604dup) results in an in-frame duplication that is predicted to duplicate three amino acids into the encoded protein. The variant allele was found at a frequency of 4e-05 in 251284 control chromosomes, predominantly at a frequency of 0.00033 within the South Asian subpopulation in the gnomAD database. The observed variant frequency within South Asian control individuals in the gnomAD database exceeds the estimated maximal expected allele frequency for disease-causing variants in COL5A1. To our knowledge, no experimental evidence demonstrating its impact on protein function has been reported. ClinVar contains an entry for this variant (Variation ID: 459703). Based on the evidence outlined above, the variant was classified as likely benign.

Labcorp Genetics (formerly Invitae), Labcorp
Classification: Uncertain significance for Ehlers-Danlos syndrome, classic type, 1. Last evaluated: 2022-02-08. Review status: criteria provided, single submitter. Criteria: Invitae Variant Classification Sherloc (09022015). Collection method: clinical testing. Allele origin: germline.
Comment: In summary, the available evidence is currently insufficient to determine the role of this variant in disease. Therefore, it has been classified as a Variant of Uncertain Significance. This variant, c.4805_4813dup, results in the insertion of 3 amino acid(s) of the COL5A1 protein (p.Val1602_Tyr1604dup), but otherwise preserves the integrity of the reading frame. Experimental studies and prediction algorithms are not available or were not evaluated, and the functional significance of this variant is currently unknown. ClinVar contains an entry for this variant (Variation ID: 459703). This variant has not been reported in the literature in individuals affected with COL5A1-related conditions. This variant is present in population databases (rs752240390, gnomAD 0.03%).

Revvity Omics, Revvity
Classification: Uncertain significance. Last evaluated: 2021-05-13. Review status: criteria provided, single submitter. Criteria: ACMG Guidelines, 2015. Collection method: clinical testing. Allele origin: germline.

Literature cited by the submitters: PubMed 34265140 (cited by Women's Health and Genetics/Laboratory Corporation of America, LabCorp).

NM_000093.5(COL5A1):c.4805_4813dup (p.Val1602_Tyr1604dup)

Genes: COL5A1 (collagen type V alpha 1 chain; plus strand), LOC101448202 (uncharacterized LOC101448202; minus strand). Cytogenetic location: 9q34.3.
Variant type: Duplication.
Coding change: c.4805_4813dup on transcript NM_000093.5 (MANE Select); coding-DNA positions 4805 to 4813, 9 bases duplicated (TGGACTACG; older notation c.4805_4813dupTGGACTACG).
Protein change: p.Val1602_Tyr1604dup.
Molecular consequence: inframe insertion.
Genome position (GRCh38, 1-based): chr9:134,824,706-134,824,714, TGGACTACG duplicated; duplicating any 9 consecutive bases within chr9:134,824,700-134,824,714 gives the same sequence; the c. name uses the placement nearest the transcript's 3' end. VCF-style (leftmost placement, unchanged base first): chr9-134824699-A-AACTACGTGG. GRCh37 (hg19) VCF-style: chr9-137716545-A-AACTACGTGG.
Other names: c.4805_4813dup, p.Val1602_Tyr1604dup (NM_001278074.1); c.4805_4813dupTGGACTACG (NM_000093.4, NM_000093.5).
Identifiers: ClinVar variation 459703 (VCV000459703.14), dbSNP rs752240390, ClinGen allele CA5320479.